The following is an entry in ClinVar:

NM_000489.6(ATRX):c.6147G>A (p.Leu2049=)

Gene: ATRX (ATRX chromatin remodeler; minus strand). Cytogenetic location: Xq21.1.
Variant type: single nucleotide variant.
Coding change: c.6147G>A on transcript NM_000489.6 (MANE Select); coding-DNA position 6147, G replaced by A.
Protein change: p.Leu2049=; no amino-acid change (leucine 2049 retained).
Molecular consequence: synonymous variant.
Genome position (GRCh38, 1-based): chrX:77,589,904, C>T on the plus strand (G>A on the coding strand, the complement: ATRX is on the minus strand). VCF-style: chrX-77589904-C-T. GRCh37 (hg19) VCF-style: chrX-76845374-C-T.
Other names: c.6033G>A, p.Leu2011= (NM_138270.5).
Identifiers: ClinVar variation 1318570 (VCV001318570.2), dbSNP rs2148090041, ClinGen allele CA517375077.

ClinVar aggregate classification (germline): Uncertain significance (1 of 4 stars; one submission).

gnomAD v4.1: 1 of 1,210,336 alleles (0.000083%); highest among the groups gnomAD compares: East Asian, 0.003%; no homozygotes.

Submission:

GeneDx
Classification: Uncertain significance. Last evaluated: 2019-04-23. Review status: criteria provided, single submitter. Criteria: GeneDx Variant Classification Process June 2021. Collection method: clinical testing. Allele origin: germline. Affected: yes.
Comment: Not observed in large population cohorts (Lek et al., 2016); In silico analysis, which includes splice predictors and evolutionary conservation, supports that this variant is not predicted to affect splicing; Has not been previously published as pathogenic or benign to our knowledge